The following is an entry in ClinVar:

ClinVar aggregate classification (germline): Pathogenic/Likely pathogenic. Review status: criteria provided, multiple submitters, no conflicts (2 of 4 stars). 4 submissions from 4 submitters: Pathogenic (3); Likely pathogenic (1). Last evaluated 2025-09-01.

Conditions:
Cardiovascular phenotype. Identifiers: MedGen CN230736.
Telangiectasia, hereditary hemorrhagic, type 2 (HHT2). Also called: Telangiectasia, hereditary hemorrhagic, type II; ACVRL1-Related Hereditary Hemorrhagic Telangiectasia. Identifiers: Orphanet 774, MedGen C1838163, MONDO:0010880, OMIM 600376. Disease mechanism: loss of function.

Submissions (4):

CeGaT Center for Human Genetics Tuebingen
Classification: Likely pathogenic. Last evaluated: 2025-09-01. Review status: criteria provided, single submitter. Criteria: CeGaT Center For Human Genetics Tuebingen Variant Classification Criteria Version 2. Collection method: clinical testing. Allele origin: germline. Affected: yes. Observed: 1 variant allele.
Comment: ACVRL1: PM2, PS4:Moderate, PP3, PP4

Labcorp Genetics (formerly Invitae), Labcorp
Classification: Pathogenic for Telangiectasia, hereditary hemorrhagic, type 2. Last evaluated: 2024-07-30. Review status: criteria provided, single submitter. Criteria: Invitae Variant Classification Sherloc (09022015). Collection method: clinical testing. Allele origin: germline.
Comment: This sequence change replaces arginine, which is basic and polar, with histidine, which is basic and polar, at codon 329 of the ACVRL1 protein (p.Arg329His). This variant is not present in population databases (gnomAD no frequency). This missense change has been observed in individual(s) with clinical features of hemorrhagic telangiectasia (PMID: 12700602, 16123970, 32300199; Invitae). ClinVar contains an entry for this variant (Variation ID: 212801). Advanced modeling of protein sequence and biophysical properties (such as structural, functional, and spatial information, amino acid conservation, physicochemical variation, residue mobility, and thermodynamic stability) performed at Invitae indicates that this missense variant is expected to disrupt ACVRL1 protein function with a positive predictive value of 95%. For these reasons, this variant has been classified as Pathogenic.

Ambry Genetics
Classification: Pathogenic for Cardiovascular phenotype. Last evaluated: 2019-12-10. Review status: criteria provided, single submitter. Criteria: Ambry Variant Classification Scheme 2023. Collection method: clinical testing. Allele origin: germline.
Comment: The p.R329H pathogenic mutation (also known as c.986G>A), located in coding exon 6 of the ACVRL1 gene, results from a G to A substitution at nucleotide position 986. The arginine at codon 329 is replaced by histidine, an amino acid with highly similar properties. This mutation was described in an individual with telangiectasias and pulmonary and cerebral ateriovenous malformations (AVMs) (Abdalla SA et al. Eur. J. Hum. Genet., 2003 Apr;11:279-87). It was also reported in an individual with hereditary hemorrhagic telangiectasia who underwent liver transplantation (Argyriou L et al. Liver Transpl., 2005 Sep;11:1132-5). Based on the supporting evidence, this alteration is interpreted as a disease-causing mutation.

GeneDx
Classification: Pathogenic. Last evaluated: 2015-05-07. Review status: criteria provided, single submitter. Criteria: GeneDx Variant Classification (06012015). Collection method: clinical testing. Allele origin: germline. Affected: yes.
Comment: p.Arg329His (R329H) CGC>CAC: c.986 G>A in exon 7 of the ACVRL1 gene (NM_000020.2). The R329H mutation in the ACVRL1 gene has been reported in at least two unrelated individuals with HHT (Abdalla S et al., 2003; Argyriou L et al., 2005). Furthermore, the R329H mutation was not observed in approximately 6,500 individuals of European and African American ancestry in the NHLBI Exome Sequencing Project, indicating it is not a common benign variant in these populations. R329H results in a conservative amino acid substitution at a position that is conserved across species, and in silico analysis predicts this variant is probably damaging to the protein structure/function. Moreover, mutations in nearby residues (H328Y, H328P, H328Q, D330Y, D330N, D330H) have been reported in association with HHT, further supporting the functional importance of this region of the protein. In summary, R329H in the ACVRL1 gene is interpreted as a disease-causing mutation. This variant was found in HHT-PANCARD

Literature cited by the submitters: PubMed 12700602 (cited by Labcorp Genetics (formerly Invitae), Labcorp and Ambry Genetics); PubMed 16123970 (cited by Labcorp Genetics (formerly Invitae), Labcorp and Ambry Genetics); PubMed 32300199 (cited by Labcorp Genetics (formerly Invitae), Labcorp); PubMed 15266205 (cited by Ambry Genetics).

NM_000020.3(ACVRL1):c.986G>A (p.Arg329His)

Gene: ACVRL1 (activin A receptor like type 1; plus strand). Cytogenetic location: 12q13.13.
Variant type: single nucleotide variant.
Coding change: c.986G>A on transcript NM_000020.3 (MANE Select); coding-DNA position 986, G replaced by A.
Protein change: p.Arg329His; replaces arginine 329 with histidine.
Molecular consequence: missense variant.
Genome position (GRCh38, 1-based): chr12:51,915,438, G>A. VCF-style: chr12-51915438-G-A. GRCh37 (hg19) VCF-style: chr12-52309222-G-A.
Other names: p.R329H:CGC>CAC; c.986G>A, p.Arg329His (NM_001077401.2); short protein forms R329H.
Identifiers: ClinVar variation 212801 (VCV000212801.20), dbSNP rs863223412, ClinGen allele CA321832.